The following is an entry in ClinVar:

ClinVar aggregate classification (germline): Benign. Review status: criteria provided, multiple submitters, no conflicts (2 of 4 stars). 3 submissions from 3 submitters: Benign (2). 1 of the submissions does not count toward it. Last evaluated 2018-07-05.

Conditions:
FTL-related disorder. Also called: FTL-related condition.

Allele frequency attached by ClinVar (database versions not stated): 1000 Genomes Project 0.03694; 1000 Genomes Project 30x 0.03935.

Submissions (3):

GeneDx
Classification: Benign. Last evaluated: 2018-07-05. Review status: criteria provided, single submitter. Criteria: GeneDx Variant Classification Process June 2021. Collection method: clinical testing. Allele origin: germline. Affected: yes.

Breakthrough Genomics
Classification: Benign. Review status: criteria provided, single submitter. Criteria: ACMG Guidelines, 2015. Collection method: not provided. Allele origin: germline. Inheritance: Autosomal recessive inheritance. Affected: yes.

PreventionGenetics, part of Exact Sciences
Classification: Benign for FTL-related condition. Last evaluated: 2019-05-08. Review status: no assertion criteria provided. Collection method: clinical testing. Allele origin: germline. Not counted in ClinVar's aggregate classification.
Comment: This variant is classified as benign based on ACMG/AMP sequence variant interpretation guidelines (Richards et al. 2015 PMID: 25741868, with internal and published modifications).

NC_000019.10:g.48965095C>A

Gene: FTL (ferritin light chain; plus strand). Cytogenetic location: 19q13.33.
Variant type: single nucleotide variant.
Genome position: GRCh38 VCF-style: chr19-48965095-C-A. GRCh37 (hg19) VCF-style: chr19-49468352-C-A.
Identifiers: ClinVar variation 1236966 (VCV001236966.7), dbSNP rs113571360, ClinGen allele CA14716151.
Genomic context (GRCh38, chr19:48,965,095, plus strand): 5'-CCCACCCTCCCGCCCACGAACCCCTGCATTTCCAGAATCAGCCCCAGGGCCCCAACCCCC[C>A]CAAGCCCCCATTTCACAACACGCTGGCGCTACAGGCGCGTGACTTCCCCTTGCTTTGGGG-3'